The following is an entry in ClinVar:

ClinVar aggregate classification (germline): Uncertain significance. Review status: criteria provided, multiple submitters, no conflicts (2 of 4 stars). 5 submissions from 5 submitters: Uncertain significance (3). 2 of the submissions do not count toward it. Last evaluated 2025-11-17.

Conditions:
Myofibrillar myopathy 5. Also called: Filaminopathy (type); FILAMINOPATHY, AUTOSOMAL DOMINANT. Identifiers: Orphanet 171445, MedGen C1836050, MONDO:0012289, OMIM 609524.
Hypertrophic cardiomyopathy 26. Also called: Cardiomyopathy, familial hypertrophic, 26. Identifiers: Orphanet 75249, MedGen C4310749, MONDO:0014883, OMIM 617047.
Distal myopathy with posterior leg and anterior hand involvement. Also called: WILLIAMS DISTAL MYOPATHY. Identifiers: Orphanet 63273, MedGen C3279722, MONDO:0013550, OMIM 614065.
Cardiovascular phenotype. Identifiers: MedGen CN230736.

Allele frequency attached by ClinVar (database versions not stated): gnomAD exomes 0.00002; ExAC 0.00003; TOPMed 0.00003; gnomAD 0.00005.
gnomAD v4.1: 41 of 1,613,764 alleles (0.0025%); highest among the groups gnomAD compares: Non-Finnish European, 0.0031%; no homozygotes.

Submissions (5):

Labcorp Genetics (formerly Invitae), Labcorp
Classification: Uncertain significance for Distal myopathy with posterior leg and anterior hand involvement; Myofibrillar myopathy 5; Hypertrophic cardiomyopathy 26. Last evaluated: 2025-11-17. Review status: criteria provided, single submitter. Criteria: Invitae Variant Classification Sherloc (09022015). Collection method: clinical testing. Allele origin: germline.
Comment: This sequence change replaces valine, which is neutral and non-polar, with methionine, which is neutral and non-polar, at codon 809 of the FLNC protein (p.Val809Met). This variant is present in population databases (rs775770671, gnomAD 0.003%). This missense change has been observed in individual(s) with dilated cardiomyopathy (PMID: 28436997). ClinVar contains an entry for this variant (Variation ID: 972607). Invitae Evidence Modeling of protein sequence and biophysical properties (such as structural, functional, and spatial information, amino acid conservation, physicochemical variation, residue mobility, and thermodynamic stability) has been performed for this missense variant. However, the output from this modeling did not meet the statistical confidence thresholds required to predict the impact of this variant on FLNC protein function. In summary, the available evidence is currently insufficient to determine the role of this variant in disease. Therefore, it has been classified as a Variant of Uncertain Significance.

GeneDx
Classification: Uncertain significance. Last evaluated: 2025-05-30. Review status: criteria provided, single submitter. Criteria: GeneDx Variant Classification Process June 2021. Collection method: clinical testing. Allele origin: germline. Affected: yes.
Comment: Identified in a patient with DCM who also harbored a nonsense variant in FLNC (PMID: 28436997); Not observed at significant frequency in large population cohorts (gnomAD); In silico analysis suggests that this missense variant does not alter protein structure/function; This variant is associated with the following publications: (PMID: 28436997)

Ambry Genetics
Classification: Uncertain significance for Cardiovascular phenotype. Last evaluated: 2023-11-15. Review status: criteria provided, single submitter. Criteria: Ambry Variant Classification Scheme 2023. Collection method: clinical testing. Allele origin: germline.
Comment: The p.V809M variant (also known as c.2425G>A), located in coding exon 16 of the FLNC gene, results from a G to A substitution at nucleotide position 2425. The valine at codon 809 is replaced by methionine, an amino acid with highly similar properties. This alteration has been reported in a dilated cardiomyopathy (DCM) cohort (Janin A et al. Clin Genet, 2017 Dec;92:616-623). This amino acid position is highly conserved in available vertebrate species. In addition, this alteration is predicted to be deleterious by in silico analysis. Since supporting evidence is limited at this time, the clinical significance of this alteration remains unclear.

Clinical Genetics, Academic Medical Center
Classification: Uncertain significance. Review status: no assertion criteria provided. Collection method: clinical testing. Allele origin: germline. Affected: yes. Study: VKGL Data-share Consensus. Not counted in ClinVar's aggregate classification.

Genome Diagnostics Laboratory, University Medical Center Utrecht
Classification: Uncertain significance. Review status: no assertion criteria provided. Collection method: clinical testing. Allele origin: germline. Affected: yes. Study: VKGL Data-share Consensus. Not counted in ClinVar's aggregate classification.

Literature cited by the submitters: PubMed 28436997 (cited by Labcorp Genetics (formerly Invitae), Labcorp and Ambry Genetics).

NM_001458.5(FLNC):c.2425G>A (p.Val809Met)

Gene: FLNC (filamin C; plus strand). Cytogenetic location: 7q32.1.
Variant type: single nucleotide variant.
Coding change: c.2425G>A on transcript NM_001458.5 (MANE Select); coding-DNA position 2425, G replaced by A.
Protein change: p.Val809Met; replaces valine 809 with methionine.
Molecular consequence: missense variant.
Genome position (GRCh38, 1-based): chr7:128,842,829, G>A. VCF-style: chr7-128842829-G-A. GRCh37 (hg19) VCF-style: chr7-128482883-G-A.
Other names: c.2425G>A, p.Val809Met (NM_001127487.2); short protein forms V809M.
Identifiers: ClinVar variation 972607 (VCV000972607.13), dbSNP rs775770671, ClinGen allele CA4474732.